The following is an entry in ClinVar:

NM_000085.5(CLCNKB):c.762G>A (p.Ala254=)

Genes: CLCNKB (chloride voltage-gated channel Kb; plus strand), LOC106501713 (CLCNKB recombination region; plus strand). Cytogenetic location: 1p36.13.
Variant type: single nucleotide variant.
Coding change: c.762G>A on transcript NM_000085.5 (MANE Select); coding-DNA position 762, G replaced by A.
Protein change: p.Ala254=; no amino-acid change (alanine 254 retained).
Molecular consequence: synonymous variant.
Genome position (GRCh38, 1-based): chr1:16,049,226, G>A. VCF-style: chr1-16049226-G-A. GRCh37 (hg19) VCF-style: chr1-16375721-G-A.
Other names: c.255G>A, p.Ala85= (NM_001165945.2).
Identifiers: ClinVar variation 790805 (VCV000790805.34), dbSNP rs5260, ClinGen allele CA623494.

ClinVar aggregate classification (germline): Benign/Likely benign. Review status: criteria provided, multiple submitters, no conflicts (2 of 4 stars). 4 submissions from 4 submitters: Benign (2); Likely benign (2). Last evaluated 2026-05-01.

Allele frequency attached by ClinVar (database versions not stated): 1000 Genomes Project 30x 0.00234; 1000 Genomes Project 0.00260; TOPMed 0.00164; ESP Exome Variant Server 0.00185; gnomAD 0.00211.
gnomAD v4.1: 3,455 of 1,613,678 alleles (0.21%); highest among the groups gnomAD compares: South Asian, 0.38%; 10 homozygotes.

Submissions (4):

CeGaT Center for Human Genetics Tuebingen
Classification: Likely benign. Last evaluated: 2026-05-01. Review status: criteria provided, single submitter. Criteria: CeGaT Center For Human Genetics Tuebingen Variant Classification Criteria Version 2. Collection method: clinical testing. Allele origin: germline. Affected: yes. Observed: 5 variant alleles.
Comment: CLCNKB: BP4, BP7

Labcorp Genetics (formerly Invitae), Labcorp
Classification: Benign. Last evaluated: 2026-01-24. Review status: criteria provided, single submitter. Criteria: Invitae Variant Classification Sherloc (09022015). Collection method: clinical testing. Allele origin: germline.

Blueprint Genetics
Classification: Likely benign. Last evaluated: 2024-11-04. Review status: criteria provided, single submitter. Criteria: ACMG Guidelines, 2015. Collection method: clinical testing. Allele origin: germline.

Breakthrough Genomics
Classification: Benign. Review status: criteria provided, single submitter. Criteria: ACMG Guidelines, 2015. Collection method: not provided. Allele origin: germline. Inheritance: Autosomal recessive inheritance. Affected: yes.